The following is an entry in ClinVar:

NM_006019.4(TCIRG1):c.502A>C (p.Asn168His)

Gene: TCIRG1 (T cell immune regulator 1, ATPase H+ transporting V0 subunit a3; plus strand). Cytogenetic location: 11q13.2.
Variant type: single nucleotide variant.
Coding change: c.502A>C on transcript NM_006019.4 (MANE Select); coding-DNA position 502, A replaced by C.
Protein change: p.Asn168His; replaces asparagine 168 with histidine.
Molecular consequence: missense variant. On other transcripts: 5 prime UTR variant (2), intron variant (6).
Genome position (GRCh38, 1-based): chr11:68,043,030, A>C. VCF-style: chr11-68043030-A-C. GRCh37 (hg19) VCF-style: chr11-67810497-A-C.
Other names: c.202A>C, p.Asn68His (NM_001440565.1); c.502A>C, p.Asn168His (NM_001440569.1, NM_001440552.1, NM_001440553.1 and 5 more transcripts); c.-486A>C (NM_006053.4); c.417+167A>C (NM_001440561.1, NM_001440566.1, NM_001440562.1 and 1 more transcripts); c.375+167A>C (NM_001440564.1, NM_001440568.1); c.-748A>C (NM_001351059.2); c.460A>C, p.Asn154His (NM_001440555.1, NM_001440556.1, NM_001440563.1); short protein forms N154H, N168H, N68H.
Identifiers: ClinVar variation 4853911 (VCV004853911.1).

ClinVar aggregate classification (germline): Uncertain significance (1 of 4 stars; one submission).

Conditions:
Autosomal recessive osteopetrosis 1. Also called: TCIRG1-Related Autosomal Recessive Osteopetrosis; TCIRG1-Related Osteopetrosis; ALBERS-SCHONBERG DISEASE, AUTOSOMAL RECESSIVE. Identifiers: Orphanet 667, MedGen C1850127, MONDO:0009815, OMIM 259700.

gnomAD v4.1: 1 of 1,550,230 alleles (0.000065%); highest among the groups gnomAD compares: Admixed American, 0.002%; no homozygotes.

Submission:

3billion
Classification: Uncertain significance for Autosomal recessive osteopetrosis 1. Last evaluated: 2025-10-16. Review status: criteria provided, single submitter. Criteria: ACMG Guidelines, 2015. Collection method: clinical testing. Allele origin: germline. Affected: yes.
Comment: The variant is observed at an extremely low frequency in the gnomAD v4.1.0 dataset (total allele frequency: <0.001%). Predicted Consequence/Location: Missense variant. The majority of the known disease-causing variants of this gene are variants expected to result in premature termination of the protein. In silico tools predict the variant to alter splicing and produce an abnormal transcript [SpliceAI: 0.27 (>=0.2, moderate evidence for spliceogenicity)]. Therefore, this variant is classified as VUS according to the recommendation of ACMG/AMP guideline.